The following is an entry in ClinVar:

NM_025114.4(CEP290):c.5415del (p.Thr1807fs)

Gene: CEP290 (centrosomal protein 290; minus strand). Cytogenetic location: 12q21.32.
Variant type: Deletion.
Coding change: c.5415del on transcript NM_025114.4 (MANE Select); coding-DNA position 5415, one base deleted (T; older notation c.5415delT).
Protein change: p.Thr1807fs; shifts the reading frame from threonine 1807.
Molecular consequence: frameshift variant.
Genome position (GRCh38, 1-based): chr12:88,077,868, A deleted on the plus strand (T on the coding strand, the reverse complement: CEP290 is on the minus strand); the first of 2 consecutive A bases (chr12:88,077,868-88,077,869); deleting either gives the same sequence. VCF-style (leftmost placement, unchanged base first): chr12-88077867-TA-T. GRCh37 (hg19) VCF-style: chr12-88471644-TA-T.
Other names: c.5415delT (NM_025114.3); short protein forms T1807fs.
Identifiers: ClinVar variation 640238 (VCV000640238.7), dbSNP rs1592808035, ClinGen allele CA915946673.

ClinVar aggregate classification (germline): Pathogenic (1 of 4 stars; one submission).

Conditions:
Meckel-Gruber syndrome. Also called: Dysencephalia splachnocystica; DYSENCEPHALIA SPLANCHNOCYSTICA; GRUBER SYNDROME. Identifiers: Orphanet 564, MedGen C0265215, MONDO:0018921.
Nephronophthisis. Also called: Juvenile Nephronophthisis. Identifiers: Orphanet 655, MedGen C0687120, MONDO:0019005, HP:0000090.
Joubert syndrome. Also called: Familial aplasia of the vermis; CEREBELLOPARENCHYMAL DISORDER IV; JOUBERT-BOLTSHAUSER SYNDROME. Identifiers: Orphanet 475, MedGen C5979921, MONDO:0018772.

Submission:

Labcorp Genetics (formerly Invitae), Labcorp
Classification: Pathogenic for Joubert syndrome; Meckel-Gruber syndrome; Nephronophthisis. Last evaluated: 2018-10-01. Review status: criteria provided, single submitter. Criteria: Invitae Variant Classification Sherloc (09022015). Collection method: clinical testing. Allele origin: germline.
Comment: This sequence change creates a premature translational stop signal (p.Thr1807Glnfs*9) in the CEP290 gene. It is expected to result in an absent or disrupted protein product. This variant is not present in population databases (ExAC no frequency). This variant has not been reported in the literature in individuals with CEP290-related disease. Loss-of-function variants in CEP290 are known to be pathogenic (PMID: 16909394, 17345604, 20690115). For these reasons, this variant has been classified as Pathogenic.

Literature cited by the submitters: PubMed 16909394; PubMed 17345604; PubMed 20690115.